The following is an entry in ClinVar:

ClinVar aggregate classification (germline): Likely benign. Review status: criteria provided, multiple submitters, no conflicts (2 of 4 stars). 5 submissions from 4 submitters: Likely benign (5). Last evaluated 2025-12-15.

Conditions:
Inborn genetic diseases. Identifiers: MedGen C0950123, MeSH D030342.
Developmental and epileptic encephalopathy, 14 (DEE14). Also called: Early infantile epileptic encephalopathy 14. Identifiers: Orphanet 293181, MedGen C3554195, MONDO:0013989, OMIM 614959.
Autosomal dominant nocturnal frontal lobe epilepsy 5. Also called: Epilepsy, nocturnal frontal lobe, 5; CILIARY DYSKINESIA, PRIMARY, 28, WITHOUT SITUS INVERSUS; CILIARY DYSKINESIA, PRIMARY, 28, WITH SITUS INVERSUS; KCNT1-Related Epilepsy. Identifiers: Orphanet 98784, MedGen C3554306, MONDO:0014002, OMIM 615005.

Allele frequency attached by ClinVar (database versions not stated): gnomAD exomes 0.00002 and 0.00009; gnomAD 0.00007; ExAC 0.00011; TOPMed 0.00011; 1000 Genomes Project 30x 0.00031; 1000 Genomes Project 0.00040.

Submissions (5):

Labcorp Genetics (formerly Invitae), Labcorp
Classification: Likely benign for Autosomal dominant nocturnal frontal lobe epilepsy 5; Developmental and epileptic encephalopathy, 14. Last evaluated: 2025-12-15. Review status: criteria provided, single submitter. Criteria: Invitae Variant Classification Sherloc (09022015). Collection method: clinical testing. Allele origin: germline.

CeGaT Center for Human Genetics Tuebingen
Classification: Likely benign. Last evaluated: 2022-11-01. Review status: criteria provided, single submitter. Criteria: CeGaT Center For Human Genetics Tuebingen Variant Classification Criteria Version 2. Collection method: clinical testing. Allele origin: germline. Affected: yes. Observed: 1 variant allele.
Comment: KCNT1: BS2

Genome-Nilou Lab
Classification: Likely benign for Developmental and epileptic encephalopathy, 14. Last evaluated: 2022-03-15. Review status: criteria provided, single submitter. Criteria: ACMG Guidelines, 2015. Collection method: clinical testing. Allele origin: germline. Affected: no.

Genome-Nilou Lab
Classification: Likely benign for Autosomal dominant nocturnal frontal lobe epilepsy 5. Last evaluated: 2022-03-15. Review status: criteria provided, single submitter. Criteria: ACMG Guidelines, 2015. Collection method: clinical testing. Allele origin: germline. Affected: no.

Ambry Genetics
Classification: Likely benign for Inborn genetic diseases. Last evaluated: 2017-05-05. Review status: criteria provided, single submitter. Criteria: Ambry Variant Classification Scheme 2023. Collection method: clinical testing. Allele origin: germline.

NM_020822.3(KCNT1):c.625C>T (p.Arg209Cys)

Gene: KCNT1 (potassium sodium-activated channel subfamily T member 1; plus strand). Cytogenetic location: 9q34.3.
Variant type: single nucleotide variant.
Coding change: c.625C>T on transcript NM_020822.3 (MANE Select); coding-DNA position 625, C replaced by T.
Protein change: p.Arg209Cys; replaces arginine 209 with cysteine.
Molecular consequence: missense variant.
Genome position (GRCh38, 1-based): chr9:135,757,180, C>T. VCF-style: chr9-135757180-C-T. GRCh37 (hg19) VCF-style: chr9-138649026-C-T.
Other names: c.481C>T, p.Arg161Cys (NM_001272003.2); short protein forms R209C, R161C.
Identifiers: ClinVar variation 588503 (VCV000588503.41), dbSNP rs568539413, ClinGen allele CA5326574.
Genomic context (GRCh38, chr9:135,757,180, plus strand): 5'-CCATCGCCCCCGCTGATACCCCCCGTTTGGCCCCAGGGCAACATCTGGGAGCAGATCTTC[C>T]GCGTGTCCTTCGTCCTGGAGATGATCAACACTCTGCCCTTCATCATCACGGTGGGTGAGC-3'
Protein context (NP_065873.2, residues 199-219): YKGNIWEQIF[Arg209Cys]VSFVLEMINT